The following is an entry in ClinVar:

NM_000245.4(MET):c.977G>C (p.Gly326Ala)

Gene: MET (MET proto-oncogene, receptor tyrosine kinase; plus strand). Cytogenetic location: 7q31.2.
Variant type: single nucleotide variant.
Coding change: c.977G>C on transcript NM_000245.4 (MANE Select); coding-DNA position 977, G replaced by C.
Protein change: p.Gly326Ala; replaces glycine 326 with alanine.
Molecular consequence: missense variant. On other transcripts: intron variant (1).
Genome position (GRCh38, 1-based): chr7:116,700,061, G>C. VCF-style: chr7-116700061-G-C. GRCh37 (hg19) VCF-style: chr7-116340115-G-C.
Other names: c.977G>C, p.Gly326Ala (NM_001127500.3, NM_001324401.3); c.-91+27484G>C (NM_001324402.2); short protein forms G326A.
Identifiers: ClinVar variation 956576 (VCV000956576.8), dbSNP rs1791511601, ClinGen allele CA368970273.
Genomic context (GRCh38, chr7:116,700,061, plus strand): 5'-AGAGATCCACAAAGAAGGAAGTGTTTAATATACTTCAGGCTGCGTATGTCAGCAAGCCTG[G>C]GGCCCAGCTTGCTAGACAAATAGGAGCCAGCCTGAATGATGACATTCTTTTCGGGGTGTT-3'
Protein context (NP_000236.2, residues 316-336): ILQAAYVSKP[Gly326Ala]AQLARQIGAS

ClinVar aggregate classification (germline): Uncertain significance. Review status: criteria provided, multiple submitters, no conflicts (2 of 4 stars). 2 submissions from 2 submitters: Uncertain significance (2). Last evaluated 2024-10-28.

Conditions:
Renal cell carcinoma. Identifiers: Orphanet 217071, MedGen C0007134, MeSH D002292, MONDO:0005086, HP:0005584.
Hereditary cancer-predisposing syndrome. Also called: Hereditary neoplastic syndrome; Tumor predisposition; Neoplastic Syndromes, Hereditary; Hereditary Cancer Syndrome. Identifiers: Orphanet 140162, MedGen C0027672, MeSH D009386, MONDO:0015356.

Submissions (2):

Ambry Genetics
Classification: Uncertain significance for Hereditary cancer-predisposing syndrome. Last evaluated: 2024-10-28. Review status: criteria provided, single submitter. Criteria: Ambry Variant Classification Scheme 2023. Collection method: clinical testing. Allele origin: germline.
Comment: The p.G326A variant (also known as c.977G>C), located in coding exon 1 of the MET gene, results from a G to C substitution at nucleotide position 977. The glycine at codon 326 is replaced by alanine, an amino acid with similar properties. This amino acid position is conserved. In addition, the in silico prediction for this alteration is inconclusive. Based on the available evidence, the clinical significance of this variant remains unclear.

Labcorp Genetics (formerly Invitae), Labcorp
Classification: Uncertain significance for Renal cell carcinoma. Last evaluated: 2023-09-21. Review status: criteria provided, single submitter. Criteria: Invitae Variant Classification Sherloc (09022015). Collection method: clinical testing. Allele origin: germline.
Comment: This sequence change replaces glycine, which is neutral and non-polar, with alanine, which is neutral and non-polar, at codon 326 of the MET protein (p.Gly326Ala). In summary, the available evidence is currently insufficient to determine the role of this variant in disease. Therefore, it has been classified as a Variant of Uncertain Significance. Advanced modeling of protein sequence and biophysical properties (such as structural, functional, and spatial information, amino acid conservation, physicochemical variation, residue mobility, and thermodynamic stability) performed at Invitae indicates that this missense variant is expected to disrupt MET protein function. ClinVar contains an entry for this variant (Variation ID: 956576). This variant has not been reported in the literature in individuals affected with MET-related conditions. This variant is not present in population databases (gnomAD no frequency).